The following is an entry in ClinVar:

ClinVar aggregate classification (germline): Uncertain significance (1 of 4 stars; one submission).

Conditions:
Leukoencephalopathy with vanishing white matter 5 (VWM5). Also called: Leukoencephalopathy with vanishing white matter 5, with or without ovarian failure; EIF2B5-Related Childhood Ataxia with Central Nervous System Hypomyelination/Vanishing White Matter. Identifiers: MedGen C5779973, MONDO:0957873, OMIM 620315.

Allele frequency attached by ClinVar (database versions not stated): TOPMed 0.00002; gnomAD 0.00001; gnomAD exomes 0.00001.
gnomAD v4.1: 12 of 1,608,102 alleles (0.00075%); highest among the groups gnomAD compares: African/African-American, 0.0013%; no homozygotes.

Submission:

Illumina Laboratory Services, Illumina
Classification: Uncertain significance for Leukoencephalopathy with vanishing white matter 5. Last evaluated: 2023-07-26. Review status: criteria provided, single submitter. Criteria: ICSLVariantClassificationCriteria RUGD 01 April 2020. Collection method: clinical testing. Allele origin: unknown.
Comment: The EIF2B5 c.320+68C>G variant occurs in an intron and has not, to our knowledge, been reported in the peer-reviewed literature. This variant is not observed at a significant frequency in version 2.1.1 or version 3.1.2 of the Genome Aggregation Database. This variant was identified in trans with a pathogenic variant. Computational evidence suggests the c.320+68C>G variant may impact splicing of the EIF2B5 transcript. Based on the available evidence, the c.320+68C>G variant is classified as a variant of uncertain significance for leukoencephalopathy with vanishing white matter

NM_003907.3(EIF2B5):c.320+68C>G

Gene: EIF2B5 (eukaryotic translation initiation factor 2B subunit epsilon; plus strand). Cytogenetic location: 3q27.1.
Variant type: single nucleotide variant.
Coding change: c.320+68C>G on transcript NM_003907.3 (MANE Select); 68 bases into the intron after coding-DNA position 320, C replaced by G.
Molecular consequence: intron variant.
Genome position (GRCh38, 1-based): chr3:184,136,804, C>G. VCF-style: chr3-184136804-C-G. GRCh37 (hg19) VCF-style: chr3-183854592-C-G.
Identifiers: ClinVar variation 2637944 (VCV002637944.1), dbSNP rs1358667083, ClinGen allele CA903705181.